The following is an entry in ClinVar:

ClinVar aggregate classification (germline): Uncertain significance (1 of 4 stars; one submission).

Conditions:
Hereditary cancer-predisposing syndrome. Also called: Hereditary Cancer Syndrome; Hereditary neoplastic syndrome; Neoplastic Syndromes, Hereditary; Tumor predisposition. Identifiers: Orphanet 140162, MedGen C0027672, MeSH D009386, MONDO:0015356.

Submission:

Ambry Genetics
Classification: Uncertain significance for Hereditary cancer-predisposing syndrome. Last evaluated: 2025-05-28. Review status: criteria provided, single submitter. Criteria: Ambry Variant Classification Scheme 2023. Collection method: clinical testing. Allele origin: germline.
Comment: The p.A414D variant (also known as c.1241C>A), located in coding exon 12 of the NF2 gene, results from a C to A substitution at nucleotide position 1241. The alanine at codon 414 is replaced by aspartic acid, an amino acid with dissimilar properties. This amino acid position is conserved. In addition, the in silico prediction for this alteration is inconclusive. Based on the available evidence, the clinical significance of this variant remains unclear.

NM_000268.4(NF2):c.1241C>A (p.Ala414Asp)

Gene: NF2 (NF2, moesin-ezrin-radixin like (MERLIN) tumor suppressor; plus strand). Cytogenetic location: 22q12.2.
Variant type: single nucleotide variant.
Coding change: c.1241C>A on transcript NM_000268.4 (MANE Select); coding-DNA position 1241, C replaced by A.
Protein change: p.Ala414Asp; replaces alanine 414 with aspartic acid.
Molecular consequence: missense variant. On other transcripts: intron variant (1).
Genome position (GRCh38, 1-based): chr22:29,673,387, C>A. VCF-style: chr22-29673387-C-A. GRCh37 (hg19) VCF-style: chr22-30069376-C-A.
Other names: c.1127C>A, p.Ala376Asp (NM_001407053.1, NM_001407056.1); c.1118C>A, p.Ala373Asp (NM_001407054.1, NM_001407058.1, NM_181829.3); c.1115C>A, p.Ala372Asp (NM_001407055.1, NM_181828.3); c.1106C>A, p.Ala369Asp (NM_001407057.1, NM_001407059.1); c.1241C>A, p.Ala414Asp (NM_001407060.1, NM_001407066.1, NM_016418.5 and 2 more transcripts); c.983C>A, p.Ala328Asp (NM_001407062.1); c.992C>A, p.Ala331Asp (NM_001407063.1, NM_001407064.1, NM_181830.3 and 1 more transcripts); c.707C>A, p.Ala236Asp (NM_001407065.1); and 2 more; short protein forms A328D, A376D, A236D, A369D, A372D, A331D, A337D, A373D.
Identifiers: ClinVar variation 3919163 (VCV003919163.1).
Genomic context (GRCh38, chr22:29,673,387, plus strand): 5'-AGGCAAAACTTCTGGCCCAGAAGGCCGCAGAGGCTGAGCAGGAAATGCAGCGCATCAAGG[C>A]CACAGCGATTCGCACGGAGGAGGAGAAGCGCCTGATGGAGCAGAAGGTGCTGGAAGCCGA-3'
Protein context (NP_000259.1, residues 404-424): EAEQEMQRIK[Ala414Asp]TAIRTEEEKR